The following is an entry in ClinVar:

NM_001287.6(CLCN7):c.2041C>T (p.Arg681Cys)

Gene: CLCN7 (Cl-/H+ antiporter 7; minus strand). Cytogenetic location: 16p13.3.
Variant type: single nucleotide variant.
Coding change: c.2041C>T on transcript NM_001287.6 (MANE Select); coding-DNA position 2041, C replaced by T.
Protein change: p.Arg681Cys; replaces arginine 681 with cysteine.
Molecular consequence: missense variant.
Genome position (GRCh38, 1-based): chr16:1,447,687, G>A on the plus strand (C>T on the coding strand, the complement: CLCN7 is on the minus strand). VCF-style: chr16-1447687-G-A. GRCh37 (hg19) VCF-style: chr16-1497688-G-A.
Other names: c.1969C>T, p.Arg657Cys (NM_001114331.3); short protein forms R657C, R681C.
Identifiers: ClinVar variation 1959508 (VCV001959508.5), dbSNP rs1210998009, ClinGen allele CA394185905.

ClinVar aggregate classification (germline): Uncertain significance (1 of 4 stars; one submission).

Allele frequency attached by ClinVar (database versions not stated): TOPMed 0.00002; gnomAD exomes 0.00002; gnomAD 0.00001.
gnomAD v4.1: 28 of 1,556,726 alleles (0.0018%); highest among the groups gnomAD compares: Non-Finnish European, 0.0019%; no homozygotes.

Submission:

Labcorp Genetics (formerly Invitae), Labcorp
Classification: Uncertain significance. Last evaluated: 2025-08-21. Review status: criteria provided, single submitter. Criteria: Invitae Variant Classification Sherloc (09022015). Collection method: clinical testing. Allele origin: germline.
Comment: This sequence change replaces arginine, which is basic and polar, with cysteine, which is neutral and slightly polar, at codon 681 of the CLCN7 protein (p.Arg681Cys). The frequency data for this variant in the population databases is considered unreliable, as metrics indicate poor data quality at this position in the gnomAD database. This variant has not been reported in the literature in individuals affected with CLCN7-related conditions. ClinVar contains an entry for this variant (Variation ID: 1959508). Invitae Evidence Modeling of protein sequence and biophysical properties (such as structural, functional, and spatial information, amino acid conservation, physicochemical variation, residue mobility, and thermodynamic stability) indicates that this missense variant is expected to disrupt CLCN7 protein function with a positive predictive value of 95%. In summary, the available evidence is currently insufficient to determine the role of this variant in disease. Therefore, it has been classified as a Variant of Uncertain Significance.